The following is an entry in ClinVar:

ClinVar aggregate classification (germline): Uncertain significance (1 of 4 stars; one submission).

Allele frequency attached by ClinVar (database versions not stated): ExAC 0.00001; gnomAD 0.00002; TOPMed 0.00003; gnomAD exomes 0.00006; ESP Exome Variant Server 0.00009.
gnomAD v4.1: 71 of 1,206,487 alleles (0.0059%); highest among the groups gnomAD compares: Non-Finnish European, 0.0076%; no homozygotes.

Submission:

Labcorp Genetics (formerly Invitae), Labcorp
Classification: Uncertain significance. Last evaluated: 2022-12-18. Review status: criteria provided, single submitter. Criteria: Invitae Variant Classification Sherloc (09022015). Collection method: clinical testing. Allele origin: germline.
Comment: This sequence change falls in intron 4 of the PGK1 gene. It does not directly change the encoded amino acid sequence of the PGK1 protein. It affects a nucleotide within the consensus splice site. This variant is present in population databases (rs372149463, gnomAD 0.006%), including at least one homozygous and/or hemizygous individual. This variant has not been reported in the literature in individuals affected with PGK1-related conditions. Variants that disrupt the consensus splice site are a relatively common cause of aberrant splicing (PMID: 17576681, 9536098). Algorithms developed to predict the effect of sequence changes on RNA splicing suggest that this variant is not likely to affect RNA splicing. In summary, the available evidence is currently insufficient to determine the role of this variant in disease. Therefore, it has been classified as a Variant of Uncertain Significance.

Literature cited by the submitters: PubMed 17576681; PubMed 9536098.

NM_000291.4(PGK1):c.417+4G>A

Gene: PGK1 (phosphoglycerate kinase 1; plus strand). Cytogenetic location: Xq21.1.
Variant type: single nucleotide variant.
Coding change: c.417+4G>A on transcript NM_000291.4 (MANE Select); 4 bases into the intron after coding-DNA position 417, G replaced by A.
Molecular consequence: intron variant.
Genome position (GRCh38, 1-based): chrX:78,114,164, G>A. VCF-style: chrX-78114164-G-A. GRCh37 (hg19) VCF-style: chrX-77369661-G-A.
Identifiers: ClinVar variation 2899762 (VCV002899762.3), dbSNP rs372149463, ClinGen allele CA10459684.